The following is an entry in ClinVar:

NM_001142864.4(PIEZO1):c.6796G>A (p.Val2266Ile)

Gene: PIEZO1 (piezo type mechanosensitive ion channel component 1 (Er blood group); minus strand). Cytogenetic location: 16q24.3.
Variant type: single nucleotide variant.
Coding change: c.6796G>A on transcript NM_001142864.4 (MANE Select); coding-DNA position 6796, G replaced by A.
Protein change: p.Val2266Ile; replaces valine 2266 with isoleucine.
Molecular consequence: missense variant.
Genome position (GRCh38, 1-based): chr16:88,716,689, C>T on the plus strand (G>A on the coding strand, the complement: PIEZO1 is on the minus strand). VCF-style: chr16-88716689-C-T. GRCh37 (hg19) VCF-style: chr16-88783097-C-T.
Other names: c.6796G>A (NM_001142864.3); short protein forms V2266I.
Identifiers: ClinVar variation 1163987 (VCV001163987.16), dbSNP rs546338962, ClinGen allele CA8231483.

ClinVar aggregate classification (germline): Conflicting classifications of pathogenicity. Review status: criteria provided, conflicting classifications (1 of 4 stars). 7 submissions from 7 submitters: Uncertain significance (6); Benign (1). Last evaluated 2026-02-04.

Conditions:
PIEZO1-related disorder. Also called: PIEZO1-Related Disorders; PIEZO1-related condition.

Allele frequency attached by ClinVar (database versions not stated): 1000 Genomes Project 30x 0.00031; 1000 Genomes Project 0.00040.
gnomAD v4.1: 218 of 1,548,964 alleles (0.014%); highest among the groups gnomAD compares: African/African-American, 0.1%; no homozygotes.

Submissions (7):

GeneDx
Classification: Uncertain significance. Last evaluated: 2026-02-04. Review status: criteria provided, single submitter. Criteria: GeneDx Variant Classification Process June 2021. Collection method: clinical testing. Allele origin: germline.
Comment: In silico analysis suggests that this missense variant does not alter protein structure/function; This variant is associated with the following publications: (PMID: 34426522, 30187933, 34201899, 36595486, 29396846)

Labcorp Genetics (formerly Invitae), Labcorp
Classification: Benign. Last evaluated: 2025-10-01. Review status: criteria provided, single submitter. Criteria: Invitae Variant Classification Sherloc (09022015). Collection method: clinical testing. Allele origin: germline.

PreventionGenetics, part of Exact Sciences
Classification: Uncertain significance for PIEZO1-related condition. Last evaluated: 2025-08-20. Review status: criteria provided, single submitter. Criteria: ACMG Guidelines, 2015. Collection method: clinical testing. Allele origin: germline.
Comment: The PIEZO1 c.6796G>A variant is predicted to result in the amino acid substitution p.Val2266Ile. This variant has been reported in individuals with PIEZO1-related diseases (Russo et al. 2018. PubMed ID: 29396846; Andolfo et al. 2021. PubMed ID: 34201899). This variant is reported in 0.14% of alleles in individuals of African descent in gnomAD. At this time, the clinical significance of this variant is uncertain due to the absence of conclusive functional and genetic evidence.

Revvity Omics, Revvity
Classification: Uncertain significance. Last evaluated: 2023-09-26. Review status: criteria provided, single submitter. Criteria: ACMG Guidelines, 2015. Collection method: clinical testing. Allele origin: germline.

ARUP Laboratories, Molecular Genetics and Genomics, ARUP Laboratories
Classification: Uncertain significance. Last evaluated: 2023-08-10. Review status: criteria provided, single submitter. Criteria: ARUP Molecular Germline Variant Investigation Process 2024. Collection method: clinical testing. Allele origin: germline.

Greenwood Genetic Center Diagnostic Laboratories, Greenwood Genetic Center
Classification: Uncertain significance. Last evaluated: 2021-09-27. Review status: criteria provided, single submitter. Criteria: ACMG Guidelines, 2015. Collection method: clinical testing. Allele origin: germline. Affected: yes.
Comment: PM2

Mayo Clinic Laboratories, Mayo Clinic
Classification: Uncertain significance. Last evaluated: 2020-01-12. Review status: criteria provided, single submitter. Criteria: ACMG Guidelines, 2015. Collection method: clinical testing. Allele origin: germline. Observed: 1 variant allele.